The following is an entry in ClinVar:

ClinVar aggregate classification (germline): Benign. Review status: reviewed by expert panel (3 of 4 stars). 8 submissions from 8 submitters: Benign (1). 7 of the submissions do not count toward it. Last evaluated 2025-09-29.

Conditions:
Leber congenital amaurosis 4 (LCA4). Identifiers: MedGen C1858386, MONDO:0011458, OMIM 604393.
AIPL1-related retinopathy. Also called: AIPL1 retinopathy. Identifiers: MedGen CN305590, MONDO:0100438.

Allele frequency attached by ClinVar (database versions not stated): 1000 Genomes Project 0.00739; 1000 Genomes Project 30x 0.00843; gnomAD exomes 0.00071 and 0.00129; ExAC 0.00156; ESP Exome Variant Server 0.00477; gnomAD 0.00535; TOPMed 0.00558.
gnomAD v4.1: 1,841 of 1,610,000 alleles (0.11%); highest among the groups gnomAD compares: African/African-American, 1.7%; 16 homozygotes.

Submissions (8):

ClinGen Leber Congenital Amaurosis/early Onset Retinal Dystrophy Variant Curation Expert Panel, ClinGen
Classification: Benign for AIPL1-related retinopathy. Last evaluated: 2025-09-29. Review status: reviewed by expert panel. Criteria: ClinGen LCAeoRD ACMG Specifications AIPL1 V1.0.0. Collection method: curation. Allele origin: germline. Inheritance: Autosomal recessive inheritance.
Comment: NM_014336.5(AIPL1):c.937G>T (p.Ala313Ser) is a missense variant in exon 6 of 6. The variant is predicted to change the amino acid alanine at position p.313 to serine. This variant is present in gnomAD v.4.1.0 at a GrpMax allele frequency of 0.01581, with 1,244 alleles / 75,040 total alleles in the African/African American population, which is higher than the ClinGen LCA/eoRD VCEP BA1 threshold of >0.0057 (BA1). The variant has been found in the homozygous state in 16 adult individuals in gnomAD which exceeds the LCA/eoRD VCEP threshold of ≥6 (gnomAD version 4.1.0; BS2). The computational predictor REVEL gives a score of 0.069, which is below the ClinGen LCA/eoRD VCEP threshold of ≤0.183 and predicts a non-damaging effect on AIPL1 protein function. In addition, the phyloP score is 1.28882 (suggesting low conservation) and the splicing impact predictor SpliceAI gives a delta score of 0, which is below the ClinGen LCA/eoRD VCEP recommended threshold of <0.1 and does not predict an impact on splicing (BP4_Moderate). In summary, this variant meets the criteria to be classified as Benign for AIPL1-related retinopathy based on the ACMG/AMP criteria applied, as specified by the ClinGen LCA/eoRD VCEP: BA1, BS2, and BP4_Moderate. (VCEP specifications version 1.0.0; date of approval 09/24/2025).

Labcorp Genetics (formerly Invitae), Labcorp
Classification: Benign for Leber congenital amaurosis 4. Last evaluated: 2026-02-02. Review status: criteria provided, single submitter. Criteria: Invitae Variant Classification Sherloc (09022015). Collection method: clinical testing. Allele origin: germline. Not counted in ClinVar's aggregate classification.

Blueprint Genetics
Classification: Likely benign. Last evaluated: 2024-11-11. Review status: criteria provided, single submitter. Criteria: ACMG Guidelines, 2015. Collection method: clinical testing. Allele origin: germline. Not counted in ClinVar's aggregate classification.

Women's Health and Genetics/Laboratory Corporation of America, LabCorp
Classification: Likely benign. Last evaluated: 2021-12-10. Review status: criteria provided, single submitter. Criteria: LabCorp Variant Classification Summary - May 2015. Collection method: clinical testing. Allele origin: germline. Not counted in ClinVar's aggregate classification.

CeGaT Center for Human Genetics Tuebingen
Classification: Uncertain significance. Last evaluated: 2016-11-30. Review status: criteria provided, single submitter. Criteria: Praxis fuer Humangenetik Tuebingen - Variant Classification Criteria. Collection method: clinical testing. Allele origin: germline. Affected: yes. Observed: 1 variant allele. Not counted in ClinVar's aggregate classification.

Clinical Genetics DNA and cytogenetics Diagnostics Lab, Erasmus MC, Erasmus Medical Center
Classification: Likely benign. Review status: no assertion criteria provided. Collection method: clinical testing. Allele origin: germline. Affected: yes. Study: VKGL Data-share Consensus. Not counted in ClinVar's aggregate classification.

Clinical Genetics, Academic Medical Center
Classification: Benign. Review status: no assertion criteria provided. Collection method: clinical testing. Allele origin: germline. Affected: yes. Study: VKGL Data-share Consensus. Not counted in ClinVar's aggregate classification.

NEI Ophthalmic Genomics Laboratory, National Institutes of Health
No classification provided. Review status: no classification provided. Collection method: not provided. Allele origin: not provided. Not counted in ClinVar's aggregate classification.

NM_014336.5(AIPL1):c.937G>T (p.Ala313Ser)

Gene: AIPL1 (AIP like 1 HSP90 co-chaperone; minus strand). Cytogenetic location: 17p13.2.
Variant type: single nucleotide variant.
Coding change: c.937G>T on transcript NM_014336.5 (MANE Select); coding-DNA position 937, G replaced by T.
Protein change: p.Ala313Ser; replaces alanine 313 with serine.
Molecular consequence: missense variant. On other transcripts: 3 prime UTR variant (1).
Genome position (GRCh38, 1-based): chr17:6,425,678, C>A on the plus strand (G>T on the coding strand, the complement: AIPL1 is on the minus strand). VCF-style: chr17-6425678-C-A. GRCh37 (hg19) VCF-style: chr17-6328998-C-A.
Other names: NM_014336.5(AIPL1):c.937G>T; p.Ala313Ser; c.748G>T, p.Ala250Ser (NM_001033054.3); c.757G>T, p.Ala253Ser (NM_001033055.3); c.901G>T, p.Ala301Ser (NM_001285399.3); c.871G>T, p.Ala291Ser (NM_001285400.3); c.865G>T, p.Ala289Ser (NM_001285401.3); c.820G>T, p.Ala274Ser (NM_001285402.2); and 1 more; short protein forms A313S, A274S, A253S, A250S, A289S, A291S, A301S.
Identifiers: ClinVar variation 100585 (VCV000100585.18), dbSNP rs115681466, ClinGen allele CA228922.